The following is an entry in ClinVar:

ClinVar aggregate classification (germline): Conflicting classifications of pathogenicity. Review status: criteria provided, conflicting classifications (1 of 4 stars). 2 submissions from 2 submitters: Uncertain significance (1); Likely benign (1). Last evaluated 2026-01-08.

Conditions:
Hermansky-Pudlak syndrome 10 (HPS10). Identifiers: Orphanet 664511, MedGen C4310746, MONDO:0014885, OMIM 617050.

Allele frequency attached by ClinVar (database versions not stated): TOPMed 0.00005; gnomAD 0.00025; gnomAD exomes 0.00091; ExAC 0.00100; 1000 Genomes Project 0.00220; 1000 Genomes Project 30x 0.00234.
gnomAD v4.1: 681 of 1,612,930 alleles (0.042%); highest among the groups gnomAD compares: South Asian, 0.72%; 12 homozygotes.

Submissions (2):

Labcorp Genetics (formerly Invitae), Labcorp
Classification: Likely benign. Last evaluated: 2026-01-08. Review status: criteria provided, single submitter. Criteria: Invitae Variant Classification Sherloc (09022015). Collection method: clinical testing. Allele origin: germline.

Center for Genomics, Ann and Robert H. Lurie Children's Hospital of Chicago
Classification: Uncertain significance for Hermansky-Pudlak syndrome 10. Last evaluated: 2022-02-01. Review status: criteria provided, single submitter. Criteria: ACMG Guidelines, 2015. Collection method: clinical testing. Allele origin: germline.
Comment: AP3D1 NM_001261826.1 exon 28 p.Lys1078Arg (c.3233A>G): This variant has not been reported in the literature but is present in 0.7% (225/30600) of South Asian alleles including 7 homozygotes in the Genome Aggregation Database. This variant is present in ClinVar (Variation ID:1099332). Evolutionary conservation suggests that this variant may impact the protein; computational predictive tools suggest that this variant may not impact the protein. In summary, data on this variant is insufficient for disease classification. Therefore, the clinical significance of this variant is uncertain.

NM_001261826.3(AP3D1):c.3233A>G (p.Lys1078Arg)

Gene: AP3D1 (adaptor related protein complex 3 subunit delta 1; minus strand). Cytogenetic location: 19p13.3.
Variant type: single nucleotide variant.
Coding change: c.3233A>G on transcript NM_001261826.3 (MANE Select); coding-DNA position 3233, A replaced by G.
Protein change: p.Lys1078Arg; replaces lysine 1078 with arginine.
Molecular consequence: missense variant.
Genome position (GRCh38, 1-based): chr19:2,110,167, T>C on the plus strand (A>G on the coding strand, the complement: AP3D1 is on the minus strand). VCF-style: chr19-2110167-T-C. GRCh37 (hg19) VCF-style: chr19-2110166-T-C.
Other names: c.3197A>G, p.Lys1066Arg (NM_001374799.1); c.3047A>G, p.Lys1016Arg (NM_003938.8); short protein forms K1016R, K1066R, K1078R.
Identifiers: ClinVar variation 1099332 (VCV001099332.10), dbSNP rs201804540, ClinGen allele CA9058503.